The following is an entry in ClinVar:

NM_001942.4(DSG1):c.2859G>C (p.Glu953Asp)

Genes: DSG1 (desmoglein 1; plus strand), DSG1-AS1 (DSG1 antisense RNA 1; minus strand). Cytogenetic location: 18q12.1.
Variant type: single nucleotide variant.
Coding change: c.2859G>C on transcript NM_001942.4 (MANE Select); coding-DNA position 2859, G replaced by C.
Protein change: p.Glu953Asp; replaces glutamic acid 953 with aspartic acid.
Molecular consequence: missense variant.
Genome position (GRCh38, 1-based): chr18:31,355,055, G>C. VCF-style: chr18-31355055-G-C. GRCh37 (hg19) VCF-style: chr18-28935018-G-C.
Other names: short protein forms E953D.
Identifiers: ClinVar variation 1357421 (VCV001357421.8), dbSNP rs757721076, ClinGen allele CA402124855.

ClinVar aggregate classification (germline): Uncertain significance (1 of 4 stars; one submission).

Submission:

Labcorp Genetics (formerly Invitae), Labcorp
Classification: Uncertain significance. Last evaluated: 2022-07-19. Review status: criteria provided, single submitter. Criteria: Invitae Variant Classification Sherloc (09022015). Collection method: clinical testing. Allele origin: germline.
Comment: In summary, the available evidence is currently insufficient to determine the role of this variant in disease. Therefore, it has been classified as a Variant of Uncertain Significance. Algorithms developed to predict the effect of missense changes on protein structure and function (SIFT, PolyPhen-2, Align-GVGD) all suggest that this variant is likely to be disruptive. ClinVar contains an entry for this variant (Variation ID: 1357421). This variant has not been reported in the literature in individuals affected with DSG1-related conditions. This variant is not present in population databases (gnomAD no frequency). This sequence change replaces glutamic acid, which is acidic and polar, with aspartic acid, which is acidic and polar, at codon 953 of the DSG1 protein (p.Glu953Asp).